The following is an entry in ClinVar:

ClinVar aggregate classification (germline): Benign (1 of 4 stars; one submission).

Allele frequency attached by ClinVar (database versions not stated): 1000 Genomes Project 30x 0.08542; 1000 Genomes Project 0.08626; gnomAD 0.14112 and 0.14399; TOPMed 0.14802.
gnomAD v4.1: 21,659 of 152,014 alleles (14%); highest among the groups gnomAD compares: Non-Finnish European, 22%; 2,119 homozygotes.

Submission:

GeneDx
Classification: Benign. Last evaluated: 2018-06-19. Review status: criteria provided, single submitter. Criteria: GeneDx Variant Classification (06012015). Collection method: clinical testing. Allele origin: germline. Affected: yes.
Comment: This variant is considered likely benign or benign based on one or more of the following criteria: it is a conservative change, it occurs at a poorly conserved position in the protein, it is predicted to be benign by multiple in silico algorithms, and/or has population frequency not consistent with disease.

NM_015443.4(KANSL1):c.1290-260A>T

Gene: KANSL1 (KAT8 regulatory NSL complex subunit 1). Cytogenetic location: 17q21.31.
Variant type: single nucleotide variant.
Coding change: c.1290-260A>T on transcript NM_015443.4 (MANE Select); 260 bases into the intron before coding-DNA position 1290, A replaced by T.
Molecular consequence: intron variant.
Genome position (GRCh38, 1-based): chr17:46,094,961, T>A on the plus strand (A>T on the coding strand, the complement: KANSL1 is on the minus strand). VCF-style: chr17-46094961-T-A. GRCh37 (hg19) VCF-style: chr17-44172327-T-A.
Other names: c.1290-260A>T (NM_001193465.2, NM_001379198.1, NM_001193466.2).
Identifiers: ClinVar variation 668803 (VCV000668803.1), dbSNP rs17576695, ClinGen allele CA14404314.
Genomic context (GRCh38, chr17:46,094,961, plus strand): 5'-ATTAAGTGGAACTGCGTTCTAGCATCCTGATCCTGTGGCACACAGTTTCTCTGAAATCCC[T>A]TTAATTTCTCTGGGACAATAAAATTATTGTCCATGCCAAAATAAAACATACATTAAGAAT-3'